The following is an entry in ClinVar:

ClinVar aggregate classification (germline): Uncertain significance (1 of 4 stars; one submission).

Submission:

Labcorp Genetics (formerly Invitae), Labcorp
Classification: Uncertain significance. Last evaluated: 2025-11-02. Review status: criteria provided, single submitter. Criteria: Invitae Variant Classification Sherloc (09022015). Collection method: clinical testing. Allele origin: germline.
Comment: This sequence change replaces glutamic acid, which is acidic and polar, with aspartic acid, which is acidic and polar, at codon 306 of the PCK1 protein (p.Glu306Asp). This variant is not present in population databases (gnomAD no frequency). This variant has not been reported in the literature in individuals affected with PCK1-related conditions. Invitae Evidence Modeling of protein sequence and biophysical properties (such as structural, functional, and spatial information, amino acid conservation, physicochemical variation, residue mobility, and thermodynamic stability) indicates that this missense variant is not expected to disrupt PCK1 protein function with a negative predictive value of 80%. In summary, the available evidence is currently insufficient to determine the role of this variant in disease. Therefore, it has been classified as a Variant of Uncertain Significance.

NM_002591.4(PCK1):c.918G>C (p.Glu306Asp)

Gene: PCK1 (phosphoenolpyruvate carboxykinase 1; plus strand). Cytogenetic location: 20q13.31.
Variant type: single nucleotide variant.
Coding change: c.918G>C on transcript NM_002591.4 (MANE Select); coding-DNA position 918, G replaced by C.
Protein change: p.Glu306Asp; replaces glutamic acid 306 with aspartic acid.
Molecular consequence: missense variant.
Genome position (GRCh38, 1-based): chr20:57,563,684, G>C. VCF-style: chr20-57563684-G-C. GRCh37 (hg19) VCF-style: chr20-56138740-G-C.
Other names: short protein forms E306D.
Identifiers: ClinVar variation 4741963 (VCV004741963.1).